The following is an entry in ClinVar:

ClinVar aggregate classification (germline): Likely pathogenic (1 of 4 stars; one submission).

Conditions:
D-2-hydroxyglutaric aciduria 1 (D2HGA1). Identifiers: Orphanet 79315, MedGen C3152055, MONDO:0024554, OMIM 600721.

Submission:

Dasa
Classification: Likely pathogenic for D-2-hydroxyglutaric aciduria 1. Last evaluated: 2025-03-13. Review status: criteria provided, single submitter. Criteria: DASA Assertion Criteria. Collection method: clinical testing. Allele origin: germline.
Comment: NM_152783.5(D2HGDH):c.751del (p.Leu251*) is a frameshift variant in D2HGDH predicted to alter the reading frame and introduce a premature termination codon and is predicted to result in an absent or altered protein product. Loss of function is an established disease mechanism for D2HGDH-associated disorders. Also, this variant is absent from population databases. Based on the currently available evidence, this variant is classified as likely pathogenic.

NM_152783.5(D2HGDH):c.751del (p.Asp250_Leu251insTer)

Gene: D2HGDH (D-2-hydroxyglutarate dehydrogenase; plus strand). Cytogenetic location: 2q37.3.
Variant type: Deletion.
Coding change: c.751del on transcript NM_152783.5 (MANE Select); coding-DNA position 751, one base deleted (C; older notation c.751delC).
Protein change: p.Asp250_Leu251insTer.
Molecular consequence: nonsense. On other transcripts: non-coding transcript variant (1).
Genome position (GRCh38, 1-based): chr2:241,744,775, C deleted; the last of 2 consecutive C bases (chr2:241,744,774-241,744,775); deleting either gives the same sequence. VCF-style (leftmost placement, unchanged base first): chr2-241744773-AC-A. GRCh37 (hg19) VCF-style: chr2-242684188-AC-A.
Other names: c.349del, p.Asp116_Leu117insTer (NM_001287249.2); c.190del, p.Asp63_Leu64insTer (NM_001352824.2).
Identifiers: ClinVar variation 4880527 (VCV004880527.2).
Genomic context (GRCh38, chr2:241,744,773, plus strand): 5'-TGGCCGACGGCACTGTCCTGGACTGCCTGACCTCCCTGAGGAAGGACAACACGGGCTATG[AC>A]CTGAAGCAGCTGTTCATCGGGTCGGAGGGCACTTTGGGGATCATCACCACGGTGTCCATC-3'